The following is an entry in ClinVar:

ClinVar aggregate classification (germline): Uncertain significance (1 of 4 stars; one submission).

Conditions:
Inborn genetic diseases. Identifiers: MedGen C0950123, MeSH D030342.

Submission:

Ambry Genetics
Classification: Uncertain significance for Inborn genetic diseases. Last evaluated: 2022-02-10. Review status: criteria provided, single submitter. Criteria: Ambry Variant Classification Scheme 2023. Collection method: clinical testing. Allele origin: germline.
Comment: Not expected to trigger nonsense-mediated mRNA decay Based on insufficient or conflicting evidence, the clinical significance of this alteration remains unclear.

NM_002860.4(ALDH18A1):c.2285G>A (p.Trp762Ter)

Gene: ALDH18A1 (aldehyde dehydrogenase 18 family member A1; minus strand). Cytogenetic location: 10q24.1.
Variant type: single nucleotide variant.
Coding change: c.2285G>A on transcript NM_002860.4 (MANE Select); coding-DNA position 2285, G replaced by A.
Protein change: p.Trp762Ter; replaces tryptophan 762 with a stop codon.
Molecular consequence: nonsense.
Genome position (GRCh38, 1-based): chr10:95,606,865, C>T on the plus strand (G>A on the coding strand, the complement: ALDH18A1 is on the minus strand). VCF-style: chr10-95606865-C-T. GRCh37 (hg19) VCF-style: chr10-97366622-C-T.
Other names: c.2279G>A, p.Trp760Ter (NM_001017423.2, NM_001323415.2); c.1952G>A, p.Trp651Ter (NM_001323412.2, NM_001323416.2); c.2285G>A, p.Trp762Ter (NM_001323413.2, NM_001323414.2); c.2180G>A, p.Trp727Ter (NM_001323417.2); c.1946G>A, p.Trp649Ter (NM_001323418.2); c.1649G>A, p.Trp550Ter (NM_001323419.2); short protein forms W550*, W760*, W762*, W651*, W649*, W727*.
Identifiers: ClinVar variation 2268832 (VCV002268832.2), dbSNP rs2526671885, ClinGen allele CA377699013.